The following continues an entry in ClinVar:

NM_005732.4(RAD50):c.1277A>G (p.Gln426Arg)

Gene: RAD50. ClinVar aggregate classification (germline): Conflicting classifications of pathogenicity. Uncertain significance (12); Likely benign (1).

Submissions 9 to 14 of 14:

Sema4
Classification: Uncertain significance for Nijmegen breakage syndrome-like disorder. Last evaluated: 2021-12-19. Review status: criteria provided, single submitter. Criteria: Sema4 Curation Guidelines. Collection method: curation. Allele origin: germline.
Comment: The RAD50 c.1277A>G (p.Q426R) variant has been reported in heterozygosity in at least several individuals with breast and/or ovarian cancer (PMID: 24894818, 30441849, 31512090, 31921681, 32854451). It is reported in 33 cases and 17 controls in a large dataset of 60,466 women with breast cancer and 53,461controls, but the odds ratio is not significantly supporting enriched in cases vs controls (PMID 33471991). It was observed in 35/126948 chromosomes of the Non-Finnish European subpopulation, with no homozygotes, in the large and broad cohorts of the Genome Aggregation Database (PMID: 32461654). The variant has been reported in ClinVar (Variation ID 127993). Functional studies have not been performed, and in silico predictions of the variant's effect on protein function are inconclusive. The evidence is insufficient to meet ACMG/AMP criteria for classifying the variant as benign or pathogenic. Thus, the clinical significance of this variant is currently uncertain.

Institute for Clinical Genetics, University Hospital TU Dresden, University Hospital TU Dresden
Classification: Uncertain significance. Last evaluated: 2021-11-03. Review status: criteria provided, single submitter. Criteria: ACMG Guidelines, 2015. Collection method: clinical testing. Allele origin: germline.

GeneKor MSA
Classification: Uncertain significance for Hereditary cancer-predisposing syndrome. Last evaluated: 2018-08-01. Review status: criteria provided, single submitter. Criteria: ACMG Guidelines, 2015. Collection method: clinical testing. Allele origin: germline. Affected: no.

Fulgent Genetics
Classification: Uncertain significance for Nijmegen breakage syndrome-like disorder. Last evaluated: 2017-05-23. Review status: criteria provided, single submitter. Criteria: ACMG Guidelines, 2015. Collection method: clinical testing. Allele origin: unknown.

GeneDx
Classification: Uncertain significance. Last evaluated: 2014-02-17. Review status: criteria provided, single submitter. Criteria: GeneDx Variant Classification (06012015). Collection method: clinical testing. Allele origin: germline. Affected: yes.
Comment: RAD50 has been only recently described in association with cancer predisposition and the risks are not well understood. This variant is denoted RAD50 c.1277A>G at the cDNA level, p.Gln426Arg (Q426R) at the protein level, and results in the change of a Glutamine to an Arginine (CAA>CGA). This variant has not, to our knowledge, been published in the literature as pathogenic or benign. RAD50 Gln426Arg has not been observed at significant allele frequency in the NHLBI Exome Sequencing Project. This variant is a semi-conservative substitution in which a a neutral polar amino acid is replaced with a positive polar one, altering a position that is well conserved throughout evolution and is not located in a known functional domain. Multiple in silico algorithms predict that this variant may be damaging to protein structure and function. On a molecular level, the impact of this missense variant on protein structure and function is not known and thus we consider this to be a variant of uncertain significance. Furthermore, based on the currently available information, cancer risks associated with this variant, and the RAD50 gene, remain unclear.

PreventionGenetics, part of Exact Sciences
Classification: Uncertain significance for RAD50-related condition. Last evaluated: 2024-05-01. Review status: no assertion criteria provided. Collection method: clinical testing. Allele origin: germline. Not counted in ClinVar's aggregate classification.
Comment: The RAD50 c.1277A>G variant is predicted to result in the amino acid substitution p.Gln426Arg. These studies interpreted this variant as uncertain significance. It is reported in 0.028% of alleles in individuals of European (Non-Finnish) descent in gnomAD and has conflicting interpretations regarding its pathogenicity in ClinVar, ranging from likely benign to uncertain. At this time, the clinical significance of this variant is uncertain due to the absence of conclusive functional and genetic evidence.

Literature cited by the submitters: PubMed 30441849 (cited by 5 submitters); PubMed 31512090 (cited by 5 submitters); PubMed 31921681 (cited by 5 submitters); PubMed 32854451 (cited by 4 submitters); PubMed 34371384 (cited by 3 submitters); PubMed 38127826 (cited by Labcorp Genetics (formerly Invitae), Labcorp and Quest Diagnostics Nichols Institute San Juan Capistrano); PubMed 31159747 (cited by 3 submitters); PubMed 30680046 (cited by Quest Diagnostics Nichols Institute San Juan Capistrano and Women's Health and Genetics/Laboratory Corporation of America, LabCorp); PubMed 24894818 (cited by 4 submitters); PubMed 33471991 (cited by Quest Diagnostics Nichols Institute San Juan Capistrano and Sema4); PubMed 23555315 (cited by Women's Health and Genetics/Laboratory Corporation of America, LabCorp).